The following is an entry in ClinVar:

ClinVar aggregate classification (germline): Pathogenic (1 of 4 stars; one submission).

Conditions:
Microcephaly, normal intelligence and immunodeficiency (NBS). Also called: Nijmegen breakage syndrome; Microcephaly with normal intelligence immunodeficiency and lymphoreticular malignancies; Nonsyndromal microcephaly autosomal recessive with normal intelligence; Seemanova syndrome 2; IMMUNODEFICIENCY, MICROCEPHALY, AND CHROMOSOMAL INSTABILITY; Ataxia telangiectasia variant V1. Identifiers: Orphanet 647, MedGen C0398791, MONDO:0009623, OMIM 251260.

Submission:

Labcorp Genetics (formerly Invitae), Labcorp
Classification: Pathogenic for Microcephaly, normal intelligence and immunodeficiency. Last evaluated: 2022-01-05. Review status: criteria provided, single submitter. Criteria: Invitae Variant Classification Sherloc (09022015). Collection method: clinical testing. Allele origin: germline.
Comment: For these reasons, this variant has been classified as Pathogenic. This variant has not been reported in the literature in individuals affected with NBN-related conditions. This variant is a gross deletion of the genomic region encompassing exon(s) 8-12 of the NBN gene. This deletion is out-of-frame, and is expected to create a premature termination codon and result in an absent or disrupted protein product. Loss-of-function variants in NBN are known to be pathogenic (PMID: 9590180, 16415040).

Literature cited by the submitters: PubMed 9590180; PubMed 16415040.

NC_000008.10:g.(?_90960042)_(90976745_?)del

Gene: NBN (nibrin; minus strand). Cytogenetic location: 8q21.3.
Variant type: Deletion.
Identifiers: ClinVar variation 2424465 (VCV002424465.4).